The following is an entry in ClinVar:

ClinVar aggregate classification (germline): Uncertain significance (1 of 4 stars; one submission).

Allele frequency attached by ClinVar (database versions not stated): gnomAD exomes below 0.00001; TOPMed 0.00001.
gnomAD v4.1: 2 of 1,614,212 alleles (0.00012%); highest among the groups gnomAD compares: Non-Finnish European, 0.00017%; no homozygotes.

Submission:

GeneDx
Classification: Uncertain significance. Last evaluated: 2021-02-09. Review status: criteria provided, single submitter. Criteria: GeneDx Variant Classification Process June 2021. Collection method: clinical testing. Allele origin: germline. Affected: yes.
Comment: Reported in trans with another variant in the NSD1 gene in a patient with cardiac anomalies and neurodevelopmental delay (Jin et al., 2017); In silico analysis supports that this missense variant does not alter protein structure/function; Not observed in large population cohorts (Lek et al., 2016); This variant is associated with the following publications: (PMID: 28991257)

NM_022455.5(NSD1):c.2668T>G (p.Phe890Val)

Gene: NSD1 (nuclear receptor binding SET domain protein 1; plus strand). Cytogenetic location: 5q35.3.
Variant type: single nucleotide variant.
Coding change: c.2668T>G on transcript NM_022455.5 (MANE Select); coding-DNA position 2668, T replaced by G.
Protein change: p.Phe890Val; replaces phenylalanine 890 with valine.
Molecular consequence: missense variant.
Genome position (GRCh38, 1-based): chr5:177,211,067, T>G. VCF-style: chr5-177211067-T-G. GRCh37 (hg19) VCF-style: chr5-176638068-T-G.
Other names: c.1795T>G, p.Phe599Val (NM_001365684.2, NM_001409306.1, NM_001409307.1 and 3 more transcripts); c.2668T>G, p.Phe890Val (NM_001409301.1, NM_001409302.1, NM_001409303.1); c.2248T>G, p.Phe750Val (NM_001409304.1); c.1915T>G, p.Phe639Val (NM_001409305.1); short protein forms F621V, F890V, F639V, F599V, F750V.
Identifiers: ClinVar variation 1304553 (VCV001304553.2), dbSNP rs1763299227, ClinGen allele CA362319524.